The following is an entry in ClinVar:

ClinVar aggregate classification (germline): Uncertain significance. Review status: criteria provided, multiple submitters, no conflicts (2 of 4 stars). 2 submissions from 2 submitters: Uncertain significance (2). Last evaluated 2024-10-28.

Conditions:
Hereditary cancer-predisposing syndrome. Also called: Tumor predisposition; Hereditary Cancer Syndrome; Hereditary neoplastic syndrome; Neoplastic Syndromes, Hereditary. Identifiers: Orphanet 140162, MedGen C0027672, MeSH D009386, MONDO:0015356.
BAP1-related tumor predisposition syndrome (TPDS1). Also called: Tumor susceptibility linked to germline BAP1 mutations; BAP1 tumor predisposition syndrome; COMMON Syndrome; TUMOR PREDISPOSITION SYNDROME 1. Identifiers: Orphanet 289539, MedGen C3280492, MONDO:0013692, OMIM 614327.

Submissions (2):

Ambry Genetics
Classification: Uncertain significance for Hereditary cancer-predisposing syndrome. Last evaluated: 2024-10-28. Review status: criteria provided, single submitter. Criteria: Ambry Variant Classification Scheme 2023. Collection method: clinical testing. Allele origin: germline.
Comment: The p.G215R variant (also known as c.643G>C), located in coding exon 8 of the BAP1 gene, results from a G to C substitution at nucleotide position 643. The glycine at codon 215 is replaced by arginine, an amino acid with dissimilar properties. This amino acid position is conserved. In addition, the in silico prediction for this alteration is inconclusive. Based on the available evidence, the clinical significance of this variant remains unclear.

Labcorp Genetics (formerly Invitae), Labcorp
Classification: Uncertain significance for BAP1-related tumor predisposition syndrome. Last evaluated: 2021-04-09. Review status: criteria provided, single submitter. Criteria: Invitae Variant Classification Sherloc (09022015). Collection method: clinical testing. Allele origin: germline.
Comment: Algorithms developed to predict the effect of missense changes on protein structure and function are either unavailable or do not agree on the potential impact of this missense change (SIFT: "Deleterious"; PolyPhen-2: "Probably Damaging"; Align-GVGD: "Class C0"). In summary, the available evidence is currently insufficient to determine the role of this variant in disease. Therefore, it has been classified as a Variant of Uncertain Significance. This variant has not been reported in the literature in individuals with BAP1-related conditions. This variant is not present in population databases (ExAC no frequency). This sequence change replaces glycine with arginine at codon 215 of the BAP1 protein (p.Gly215Arg). The glycine residue is highly conserved and there is a moderate physicochemical difference between glycine and arginine.

NM_004656.4(BAP1):c.643G>C (p.Gly215Arg)

Gene: BAP1 (BRCA1 associated deubiquitinase 1; minus strand). Cytogenetic location: 3p21.1.
Variant type: single nucleotide variant.
Coding change: c.643G>C on transcript NM_004656.4 (MANE Select); coding-DNA position 643, G replaced by C.
Protein change: p.Gly215Arg; replaces glycine 215 with arginine.
Molecular consequence: missense variant.
Genome position (GRCh38, 1-based): chr3:52,406,845, C>G on the plus strand (G>C on the coding strand, the complement: BAP1 is on the minus strand). VCF-style: chr3-52406845-C-G. GRCh37 (hg19) VCF-style: chr3-52440861-C-G.
Other names: c.643G>C (NM_004656.2); short protein forms G215R.
Identifiers: ClinVar variation 1480707 (VCV001480707.9), dbSNP rs1407261660, ClinGen allele CA353108800.